The following is an entry in ClinVar:

ClinVar aggregate classification (germline): Uncertain significance (1 of 4 stars; one submission).

Conditions:
Frontotemporal dementia and/or amyotrophic lateral sclerosis 1 (FTDALS1). Also called: C9orf72 Frontotemporal Dementia and/or Amyotrophic Lateral Sclerosis; Frontotemporal dementia with motor neuron disease 1. Identifiers: Orphanet 275872, MedGen C5779877, MONDO:0007105, OMIM 105550.
Paget disease of bone 2, early-onset (PDB2). Also called: Paget disease of bone 2. Identifiers: MedGen C4085251, MONDO:0011183, OMIM 602080.

Allele frequency attached by ClinVar (database versions not stated): gnomAD 0.00001; gnomAD exomes 0.00001; TOPMed 0.00002.
gnomAD v4.1: 8 of 1,613,942 alleles (0.0005%); highest among the groups gnomAD compares: East Asian, 0.0067%; no homozygotes.

Submission:

Labcorp Genetics (formerly Invitae), Labcorp
Classification: Uncertain significance for Paget disease of bone 2, early-onset; Frontotemporal dementia and/or amyotrophic lateral sclerosis 1. Last evaluated: 2023-08-17. Review status: criteria provided, single submitter. Criteria: Invitae Variant Classification Sherloc (09022015). Collection method: clinical testing. Allele origin: germline.
Comment: In summary, the available evidence is currently insufficient to determine the role of this variant in disease. Therefore, it has been classified as a Variant of Uncertain Significance. Advanced modeling of protein sequence and biophysical properties (such as structural, functional, and spatial information, amino acid conservation, physicochemical variation, residue mobility, and thermodynamic stability) performed at Invitae indicates that this missense variant is not expected to disrupt SQSTM1 protein function. ClinVar contains an entry for this variant (Variation ID: 1405537). This variant has not been reported in the literature in individuals affected with SQSTM1-related conditions. This variant is present in population databases (no rsID available, gnomAD 0.02%). This sequence change replaces serine, which is neutral and polar, with leucine, which is neutral and non-polar, at codon 229 of the SQSTM1 protein (p.Ser229Leu).

NM_003900.5(SQSTM1):c.686C>T (p.Ser229Leu)

Gene: SQSTM1 (sequestosome 1; plus strand). Cytogenetic location: 5q35.3.
Variant type: single nucleotide variant.
Coding change: c.686C>T on transcript NM_003900.5 (MANE Select); coding-DNA position 686, C replaced by T.
Protein change: p.Ser229Leu; replaces serine 229 with leucine.
Molecular consequence: missense variant.
Genome position (GRCh38, 1-based): chr5:179,825,158, C>T. VCF-style: chr5-179825158-C-T. GRCh37 (hg19) VCF-style: chr5-179252158-C-T.
Other names: c.434C>T, p.Ser145Leu (NM_001142298.2, NM_001142299.2); short protein forms S145L, S229L.
Identifiers: ClinVar variation 1405537 (VCV001405537.6), dbSNP rs1397353855, ClinGen allele CA362446268.
Genomic context (GRCh38, chr5:179,825,158, plus strand): 5'-ATCCAAGGCATTAAAGATATCTTTATCTTATCTTTGTAAAAATCAAAGCTTCTGGTCCAT[C>T]GGAGGATCCGAGTGTGAATTTCCTGAAGAACGTTGGGGAGAGTGTGGCAGCTGCCCTTAG-3'
Protein context (NP_003891.1, residues 219-239): GPTAESASGP[Ser229Leu]EDPSVNFLKN